The following is an entry in ClinVar:

NM_007194.4(CHEK2):c.1530G>A (p.Gln510=)

Gene: CHEK2 (checkpoint kinase 2; minus strand). Cytogenetic location: 22q12.1.
Variant type: single nucleotide variant.
Coding change: c.1530G>A on transcript NM_007194.4 (MANE Select); coding-DNA position 1530, G replaced by A.
Protein change: p.Gln510=; no amino-acid change (glutamine 510 retained).
Molecular consequence: synonymous variant.
Genome position (GRCh38, 1-based): chr22:28,689,147, C>T on the plus strand (G>A on the coding strand, the complement: CHEK2 is on the minus strand). VCF-style: chr22-28689147-C-T. GRCh37 (hg19) VCF-style: chr22-29085135-C-T.
Other names: c.1659G>A, p.Gln553= (NM_001005735.3); c.867G>A, p.Gln289= (NM_001257387.3); c.1329G>A, p.Gln443= (NM_001349956.3); c.1443G>A, p.Gln481= (NM_145862.3).
Identifiers: ClinVar variation 3773011 (VCV003773011.1).

ClinVar aggregate classification (germline): Benign (1 of 4 stars; one submission).

Conditions:
Familial cancer of breast. Also called: Hereditary breast cancer; BREAST CANCER, FAMILIAL; hereditary breast carcinoma. Identifiers: Orphanet 227535, MedGen C0346153, MONDO:0016419, OMIM 114480. Disease mechanism: loss of function.

Submission:

Myriad Genetics, Inc.
Classification: Benign for Familial cancer of breast. Last evaluated: 2024-10-08. Review status: criteria provided, single submitter. Criteria: Myriad Autosomal Dominant, Autosomal Recessive and X-Linked Classification Criteria (2023). Collection method: clinical testing. Allele origin: unknown.
Comment: This variant is considered benign. This variant is a silent/synonymous amino acid change and it is not expected to impact splicing.